The following is an entry in ClinVar:

NM_145239.3(PRRT2):c.455C>T (p.Pro152Leu)

Genes: MVP-DT (MVP divergent transcript; minus strand), PRRT2 (proline rich transmembrane protein 2; plus strand). Cytogenetic location: 16p11.2.
Variant type: single nucleotide variant.
Coding change: c.455C>T on transcript NM_145239.3 (MANE Select); coding-DNA position 455, C replaced by T.
Protein change: p.Pro152Leu; replaces proline 152 with leucine.
Molecular consequence: missense variant.
Genome position (GRCh38, 1-based): chr16:29,813,509, C>T. VCF-style: chr16-29813509-C-T. GRCh37 (hg19) VCF-style: chr16-29824830-C-T.
Other names: c.455C>T, p.Pro152Leu (NM_001256442.2, NM_001256443.2); short protein forms P152L.
Identifiers: ClinVar variation 2149300 (VCV002149300.4), dbSNP rs760278435, ClinGen allele CA395478737.

ClinVar aggregate classification (germline): Uncertain significance (1 of 4 stars; one submission).

Conditions:
Episodic kinesigenic dyskinesia (EKD). Also called: Paroxysmal kinesigenic dyskinesia. Identifiers: Orphanet 98809, MedGen C1868682, MONDO:0044202.

Submission:

Labcorp Genetics (formerly Invitae), Labcorp
Classification: Uncertain significance for Episodic kinesigenic dyskinesia. Last evaluated: 2023-07-07. Review status: criteria provided, single submitter. Criteria: Invitae Variant Classification Sherloc (09022015). Collection method: clinical testing. Allele origin: germline.
Comment: This sequence change replaces proline, which is neutral and non-polar, with leucine, which is neutral and non-polar, at codon 152 of the PRRT2 protein (p.Pro152Leu). This variant is not present in population databases (gnomAD no frequency). This variant has not been reported in the literature in individuals affected with PRRT2-related conditions. ClinVar contains an entry for this variant (Variation ID: 2149300). Advanced modeling of protein sequence and biophysical properties (such as structural, functional, and spatial information, amino acid conservation, physicochemical variation, residue mobility, and thermodynamic stability) performed at Invitae indicates that this missense variant is not expected to disrupt PRRT2 protein function. In summary, the available evidence is currently insufficient to determine the role of this variant in disease. Therefore, it has been classified as a Variant of Uncertain Significance.